The following is an entry in ClinVar:

ClinVar aggregate classification (germline): Likely benign. Review status: criteria provided, multiple submitters, no conflicts (2 of 4 stars). 7 submissions from 7 submitters: Likely benign (7). Last evaluated 2025-11-28.

Conditions:
Cardiomyopathy (CMYO). Also called: Cardiomyopathies. Identifiers: Orphanet 167848, MedGen C0878544, MONDO:0004994, HP:0001638. Inheritance: Various modes of inheritance.
Arrhythmogenic right ventricular cardiomyopathy (ARVD). Also called: Cardiomyopathy, ARVC; Arrhythmogenic right ventricular dysplasia; Arrhythmogenic Right Ventricular Cardiomyopathy (ARVC); Arrhythmogenic cardiomyopathy. Identifiers: Orphanet 247, MedGen C0349788, MeSH D019571, MONDO:0016587. Disease mechanism: loss of function. Inheritance: Various modes of inheritance.
Cardiovascular phenotype. Identifiers: MedGen CN230736.
Arrhythmogenic right ventricular dysplasia 9 (ARVD9). Also called: Arrhythmogenic Right Ventricular Dysplasia/Cardiomyopathy 9; ARRHYTHMOGENIC RIGHT VENTRICULAR DYSPLASIA, FAMILIAL, 9. Identifiers: MedGen C1836906, MONDO:0012180, OMIM 609040.

Allele frequency attached by ClinVar (database versions not stated): gnomAD exomes 0.00002; TOPMed 0.00002; ExAC 0.00005; ESP Exome Variant Server 0.00008.
gnomAD v4.1: 31 of 1,613,958 alleles (0.0019%); highest among the groups gnomAD compares: African/African-American, 0.004%; no homozygotes.

Submissions (7):

Labcorp Genetics (formerly Invitae), Labcorp
Classification: Likely benign for Arrhythmogenic right ventricular dysplasia 9. Last evaluated: 2025-11-28. Review status: criteria provided, single submitter. Criteria: Invitae Variant Classification Sherloc (09022015). Collection method: clinical testing. Allele origin: germline.

All of Us Research Program, National Institutes of Health
Classification: Likely benign for Arrhythmogenic right ventricular cardiomyopathy. Last evaluated: 2023-12-18. Review status: criteria provided, single submitter. Criteria: ACMG Guidelines, 2015. Collection method: clinical testing. Allele origin: germline. Inheritance: Autosomal dominant inheritance. Observed: 6 variant alleles, 6 heterozygotes.
Comment: This study involves interpretation of variants in research participants for the purpose of population health screening. Participant phenotype was not available at the time of variant classification. Additional details can be found in publication PMID: 35346344, PMCID: PMC8962531

Blueprint Genetics
Classification: Likely benign. Last evaluated: 2023-12-13. Review status: criteria provided, single submitter. Criteria: ACMG Guidelines, 2015. Collection method: clinical testing. Allele origin: germline.

Ambry Genetics
Classification: Likely benign for Cardiovascular phenotype. Last evaluated: 2022-04-19. Review status: criteria provided, single submitter. Criteria: Ambry Variant Classification Scheme 2023. Collection method: clinical testing. Allele origin: germline.

Fulgent Genetics
Classification: Likely benign for Arrhythmogenic right ventricular dysplasia 9. Last evaluated: 2021-11-09. Review status: criteria provided, single submitter. Criteria: ACMG Guidelines, 2015. Collection method: clinical testing. Allele origin: unknown.

Color Diagnostics, LLC DBA Color Health
Classification: Likely benign for Cardiomyopathy. Last evaluated: 2021-05-18. Review status: criteria provided, single submitter. Criteria: ACMG Guidelines, 2015. Collection method: clinical testing. Allele origin: germline.

GeneDx
Classification: Likely benign. Last evaluated: 2015-12-10. Review status: criteria provided, single submitter. Criteria: GeneDx Variant Classification (06012015). Collection method: clinical testing. Allele origin: germline. Affected: yes.
Comment: This variant is considered likely benign or benign based on one or more of the following criteria: it is a conservative change, it occurs at a poorly conserved position in the protein, it is predicted to be benign by multiple in silico algorithms, and/or has population frequency not consistent with disease.

NM_001005242.3(PKP2):c.2316C>T (p.Thr772=)

Gene: PKP2 (plakophilin 2; minus strand). Cytogenetic location: 12p11.21.
Variant type: single nucleotide variant.
Coding change: c.2316C>T on transcript NM_001005242.3 (MANE Select); coding-DNA position 2316, C replaced by T.
Protein change: p.Thr772=; no amino-acid change (threonine 772 retained).
Molecular consequence: synonymous variant.
Genome position (GRCh38, 1-based): chr12:32,796,150, G>A on the plus strand (C>T on the coding strand, the complement: PKP2 is on the minus strand). VCF-style: chr12-32796150-G-A. GRCh37 (hg19) VCF-style: chr12-32949084-G-A.
Other names: c.2448C>T, p.Thr816= (NM_004572.4).
Identifiers: ClinVar variation 382244 (VCV000382244.18), dbSNP rs369837002, ClinGen allele CA035207.
Genomic context (GRCh38, chr12:32,796,150, plus strand): 5'-GCAGAACTGAAGGACTTACGCATCGCCTGCACTAATGGCCATAATTTTCTGGATGCCCCC[G>A]GTGTTTAGAAGGTCGCGTGCATTCTGGTAACTGTTTTGGATTATGTTGTTCAATGTGTAA-3'
Protein context (NP_001005242.2, residues 762-782): SYQNARDLLN[Thr772=]GGIQKIMAIS